The following is an entry in ClinVar:

ClinVar aggregate classification (germline): Uncertain significance. Review status: criteria provided, multiple submitters, no conflicts (2 of 4 stars). 5 submissions from 5 submitters: Uncertain significance (5). Last evaluated 2025-12-16.

Conditions:
Ataxia-telangiectasia-like disorder (ATLD). Identifiers: MedGen C1858391, MONDO:0011457.
Hereditary cancer-predisposing syndrome. Also called: Hereditary neoplastic syndrome; Tumor predisposition; Hereditary Cancer Syndrome; Neoplastic Syndromes, Hereditary. Identifiers: Orphanet 140162, MedGen C0027672, MeSH D009386, MONDO:0015356.
Ataxia-telangiectasia-like disorder 1 (ATLD1). Identifiers: Orphanet 251347, MedGen C4012790, MONDO:0024557, OMIM 604391.

Allele frequency attached by ClinVar (database versions not stated): gnomAD 0.00001; gnomAD exomes 0.00001 and 0.00004; TOPMed 0.00001; ExAC 0.00004.
gnomAD v4.1: 12 of 1,577,394 alleles (0.00076%); highest among the groups gnomAD compares: Admixed American, 0.015%; no homozygotes.

Submissions (5):

Women's Health and Genetics/Laboratory Corporation of America, LabCorp
Classification: Uncertain significance. Last evaluated: 2025-12-16. Review status: criteria provided, single submitter. Criteria: LabCorp Variant Classification Summary - May 2015. Collection method: clinical testing. Allele origin: germline.
Comment: Variant summary: MRE11 c.2113A>G (p.Arg705Gly) results in a non-conservative amino acid change in the encoded protein sequence. Algorithms developed to predict the effect of missense changes on protein structure and function are either unavailable or do not agree on the potential impact of this missense change. The variant allele was found at a frequency of 3.7e-05 in 246158 control chromosomes. The available data on variant occurrences in the general population are insufficient to allow any conclusion about variant significance. To our knowledge, no occurrence of c.2113A>G in individuals affected with MRE11-related conditions and no experimental evidence demonstrating its impact on protein function have been reported. ClinVar contains an entry for this variant (Variation ID: 219663). Based on the evidence outlined above, the variant was classified as uncertain significance.

Quest Diagnostics Nichols Institute San Juan Capistrano
Classification: Uncertain significance. Last evaluated: 2025-04-07. Review status: criteria provided, single submitter. Criteria: Quest Diagnostics criteria. Collection method: clinical testing. Allele origin: unknown.

Labcorp Genetics (formerly Invitae), Labcorp
Classification: Uncertain significance for Ataxia-telangiectasia-like disorder. Last evaluated: 2024-05-09. Review status: criteria provided, single submitter. Criteria: Invitae Variant Classification Sherloc (09022015). Collection method: clinical testing. Allele origin: germline.
Comment: This sequence change replaces arginine, which is basic and polar, with glycine, which is neutral and non-polar, at codon 705 of the MRE11 protein (p.Arg705Gly). This variant is present in population databases (rs755681342, gnomAD 0.02%). This variant has not been reported in the literature in individuals affected with MRE11-related conditions. ClinVar contains an entry for this variant (Variation ID: 219663). An algorithm developed to predict the effect of missense changes on protein structure and function (PolyPhen-2) suggests that this variant¬†is likely to be tolerated. Algorithms developed to predict the effect of sequence changes on RNA splicing suggest that this variant may disrupt the consensus splice site. In summary, the available evidence is currently insufficient to determine the role of this variant in disease. Therefore, it has been classified as a Variant of Uncertain Significance.

Fulgent Genetics
Classification: Uncertain significance for Ataxia-telangiectasia-like disorder 1. Last evaluated: 2024-03-09. Review status: criteria provided, single submitter. Criteria: ACMG Guidelines, 2015. Collection method: clinical testing. Allele origin: germline.

Ambry Genetics
Classification: Uncertain significance for Hereditary cancer-predisposing syndrome. Last evaluated: 2022-08-08. Review status: criteria provided, single submitter. Criteria: Ambry Variant Classification Scheme 2023. Collection method: clinical testing. Allele origin: germline.

NM_005591.4(MRE11):c.2113A>G (p.Arg705Gly)

Gene: MRE11 (MRE11 double strand break repair nuclease; minus strand). Cytogenetic location: 11q21.
Variant type: single nucleotide variant.
Coding change: c.2113A>G on transcript NM_005591.4 (MANE Select); coding-DNA position 2113, A replaced by G.
Protein change: p.Arg705Gly; replaces arginine 705 with glycine.
Molecular consequence: missense variant.
Genome position (GRCh38, 1-based): chr11:94,420,139, T>C on the plus strand (A>G on the coding strand, the complement: MRE11 is on the minus strand). VCF-style: chr11-94420139-T-C. GRCh37 (hg19) VCF-style: chr11-94153305-T-C.
Other names: c.2110A>G, p.Arg704Gly (NM_001330347.2); c.2029A>G, p.Arg677Gly (NM_005590.4); short protein forms R705G, R677G, R704G.
Identifiers: ClinVar variation 219663 (VCV000219663.18), dbSNP rs755681342, ClinGen allele CA348518.